The following is an entry in ClinVar:

ClinVar aggregate classification (germline): Pathogenic. Review status: criteria provided, multiple submitters, no conflicts (2 of 4 stars). 3 submissions from 3 submitters: Pathogenic (3). Last evaluated 2016-09-21.

Conditions:
Lissencephaly due to LIS1 mutation (LIS1). Also called: PAFAH1B1-Associated Lissencephaly/Subcortical Band Heterotopia; Isolated Lissencephaly Sequence; PAFAH1B1-Related Lissencephaly/Subcortical Band Heterotopia. Identifiers: Orphanet 95232, MedGen C4749301, MONDO:0011830, OMIM 607432.

Submissions (3):

Genetic Services Laboratory, University of Chicago
Classification: Pathogenic for Lissencephaly 1. Last evaluated: 2016-09-21. Review status: criteria provided, single submitter. Criteria: ACMG Guidelines, 2015. Collection method: clinical testing. Allele origin: germline. Affected: yes.

GeneDx
Classification: Pathogenic. Last evaluated: 2015-03-05. Review status: criteria provided, single submitter. Criteria: GeneDx Variant Classification (06012015). Collection method: clinical testing. Allele origin: germline. Affected: yes.
Comment: The c.1159+1 G>A splice site variant in the PAFAH1B1 gene destroys the canonical splice donor site inintron 10. It is predicted to cause abnormal gene splicing, either leading to an abnormal message that is subjectto nonsense-mediated mRNA decay, or to an abnormal protein product if the message is used for proteintranslation. Although this variant has not been previously reported to our knowledge, however we consider it to be a pathogenic variant.

Medical Genetics Laboratory, Niloo Shiraz Laboratory
Classification: Pathogenic for Lissencephaly due to LIS1 mutation. Review status: criteria provided, single submitter. Criteria: ACMG Guidelines, 2015. Collection method: clinical testing. Allele origin: germline. Inheritance: Autosomal dominant inheritance. Affected: yes.
Comment: The identified variant, NM_000430.4:c.1159+1G>A, is located at a canonical splice donor site in intron 10 of the PAFAH1B1 gene. This variant is predicted to disrupt normal RNA splicing, potentially leading to exon skipping or activation of a cryptic splice site. Notably, this variant is absent from major population databases such as gnomAD, and is also not found in our internal dataset (Niloo Genome).

NM_000430.4(PAFAH1B1):c.1159+1G>A

Gene: PAFAH1B1 (platelet activating factor acetylhydrolase 1b regulatory subunit 1; plus strand). Cytogenetic location: 17p13.3.
Variant type: single nucleotide variant.
Coding change: c.1159+1G>A on transcript NM_000430.4 (MANE Select); the canonical splice donor site of the intron after coding-DNA position 1159, G replaced by A.
Molecular consequence: splice donor variant.
Genome position (GRCh38, 1-based): chr17:2,680,321, G>A. VCF-style: chr17-2680321-G-A. GRCh37 (hg19) VCF-style: chr17-2583615-G-A.
Identifiers: ClinVar variation 379162 (VCV000379162.8), dbSNP rs1057520515, ClinGen allele CA16607191.